The following is an entry in ClinVar:

ClinVar aggregate classification (germline): Conflicting classifications of pathogenicity. Review status: criteria provided, conflicting classifications (1 of 4 stars). 2 submissions from 2 submitters: Uncertain significance (1); Likely benign (1). Last evaluated 2025-07-08.

Conditions:
OPTN-related disorder. Also called: OPTN-related condition; OPTN-related disorders.
Amyotrophic lateral sclerosis type 12 (ALS12). Also called: AMYOTROPHIC LATERAL SCLEROSIS 12 WITH OR WITHOUT FRONTOTEMPORAL DEMENTIA. Identifiers: Orphanet 803, MedGen C3150692, MONDO:0013264, OMIM 613435.
Glaucoma 1, open angle, E. Identifiers: MedGen C1842026, MONDO:0007665.
Primary open angle glaucoma (POAG). Also called: OPTN-related open angle glaucoma. Identifiers: MedGen C0339573, MONDO:0100553, OMIM 137760.

Allele frequency attached by ClinVar (database versions not stated): gnomAD exomes 0.00001; ExAC 0.00002; TOPMed 0.00011; gnomAD 0.00013.

Submissions (2):

PreventionGenetics, part of Exact Sciences
Classification: Likely benign for OPTN-related condition. Last evaluated: 2025-07-08. Review status: criteria provided, single submitter. Criteria: ACMG Guidelines, 2015. Collection method: clinical testing. Allele origin: germline.
Comment: This variant is classified as likely benign based on ACMG/AMP sequence variant interpretation guidelines (Richards et al. 2015 PMID: 25741868, with internal and published modifications).

Labcorp Genetics (formerly Invitae), Labcorp
Classification: Uncertain significance for Primary open angle glaucoma; Glaucoma 1, open angle, E; Amyotrophic lateral sclerosis type 12. Last evaluated: 2025-03-01. Review status: criteria provided, single submitter. Criteria: Invitae Variant Classification Sherloc (09022015). Collection method: clinical testing. Allele origin: germline.
Comment: This sequence change falls in intron 6 of the OPTN gene. It does not directly change the encoded amino acid sequence of the OPTN protein. It affects a nucleotide within the consensus splice site. This variant is present in population databases (rs757862728, gnomAD 0.03%). This variant has not been reported in the literature in individuals affected with OPTN-related conditions. ClinVar contains an entry for this variant (Variation ID: 2141236). Variants that disrupt the consensus splice site are a relatively common cause of aberrant splicing (PMID: 17576681, 9536098). Algorithms developed to predict the effect of sequence changes on RNA splicing suggest that this variant is not likely to affect RNA splicing. In summary, the available evidence is currently insufficient to determine the role of this variant in disease. Therefore, it has been classified as a Variant of Uncertain Significance.

Literature cited by the submitters: PubMed 17576681 (cited by Labcorp Genetics (formerly Invitae), Labcorp); PubMed 9536098 (cited by Labcorp Genetics (formerly Invitae), Labcorp).

NM_001008212.2(OPTN):c.780-3C>T

Gene: OPTN (optineurin; plus strand). Cytogenetic location: 10p13.
Variant type: single nucleotide variant.
Coding change: c.780-3C>T on transcript NM_001008212.2 (MANE Select); 3 bases into the intron before coding-DNA position 780, C replaced by T.
Molecular consequence: intron variant.
Genome position (GRCh38, 1-based): chr10:13,122,382, C>T. VCF-style: chr10-13122382-C-T. GRCh37 (hg19) VCF-style: chr10-13164382-C-T.
Other names: c.780-3C>T (NM_001008211.1, NM_001008213.1, NM_021980.4).
Identifiers: ClinVar variation 2141236 (VCV002141236.5), dbSNP rs757862728, ClinGen allele CA5410753.